The following is an entry in ClinVar:

ClinVar aggregate classification (germline): Conflicting classifications of pathogenicity. Review status: criteria provided, conflicting classifications (1 of 4 stars). 2 submissions from 2 submitters: Uncertain significance (1); Likely benign (1). Last evaluated 2018-11-20.

Conditions:
Hereditary cancer-predisposing syndrome. Also called: Neoplastic Syndromes, Hereditary; Hereditary neoplastic syndrome; Tumor predisposition; Hereditary Cancer Syndrome. Identifiers: Orphanet 140162, MedGen C0027672, MeSH D009386, MONDO:0015356.

Submissions (3):

Color Diagnostics, LLC DBA Color Health
Classification: Likely benign for Hereditary cancer-predisposing syndrome. Last evaluated: 2018-11-20. Review status: criteria provided, single submitter. Criteria: ACMG Guidelines, 2015. Collection method: clinical testing. Allele origin: germline.

Quest Diagnostics Nichols Institute San Juan Capistrano
Classification: Uncertain significance. Last evaluated: 2017-01-16. Review status: criteria provided, single submitter. Criteria: Quest Diagnostics criteria. Collection method: clinical testing. Allele origin: germline.

Brotman Baty Institute, University of Washington
No classification provided (evidence only). Condition: Breast-ovarian cancer, familial 1. Review status: no classification provided. Collection method: in vitro. Allele origin: not applicable. Functional consequence: functionally_normal. Not counted in ClinVar's aggregate classification.
ClinVar note: "not provided" was previously submitted as the classification for the variant. However, the classification appeared to be based only on an observation of functional data so it was converted to no classification on 2025-07-30.

NM_007294.4(BRCA1):c.5265C>T (p.Ser1755=)

Gene: BRCA1 (BRCA1 DNA repair associated; minus strand). Cytogenetic location: 17q21.31.
Variant type: single nucleotide variant.
Coding change: c.5265C>T on transcript NM_007294.4 (MANE Select); coding-DNA position 5265, C replaced by T.
Protein change: p.Ser1755=; no amino-acid change (serine 1755 retained).
Molecular consequence: synonymous variant.
Genome position (GRCh38, 1-based): chr17:43,057,064, G>A on the plus strand (C>T on the coding strand, the complement: BRCA1 is on the minus strand). VCF-style: chr17-43057064-G-A. GRCh37 (hg19) VCF-style: chr17-41209081-G-A.
Other names: c.5118C>T, p.Ser1706= (NM_001407847.1, NM_001407848.1, NM_001407849.1 and 12 more transcripts); c.5265C>T, p.Ser1755= (NM_001407854.1, NM_001407593.1, NM_001407594.1 and 7 more transcripts); c.5262C>T, p.Ser1754= (NM_001407858.1, NM_001407859.1, NM_001407860.1 and 17 more transcripts); c.5259C>T, p.Ser1753= (NM_001407861.1, NM_001407627.1, NM_001407628.1 and 14 more transcripts); c.5064C>T, p.Ser1688= (NM_001407862.1); c.5061C>T, p.Ser1687= (NM_001407863.1); c.5058C>T, p.Ser1686= (NM_001407874.1, NM_001407875.1); c.5055C>T, p.Ser1685= (NM_001407879.1, NM_001407881.1, NM_001407882.1 and 5 more transcripts); and 72 more.
Identifiers: ClinVar variation 440480 (VCV000440480.7), dbSNP rs1555576855, ClinGen allele CA500144530.